The following is an entry in ClinVar:

NM_004385.5(VCAN):c.5332A>G (p.Thr1778Ala)

Genes: VCAN (versican; plus strand), VCAN-AS1 (VCAN antisense RNA 1; minus strand). Cytogenetic location: 5q14.3.
Variant type: single nucleotide variant.
Coding change: c.5332A>G on transcript NM_004385.5 (MANE Select); coding-DNA position 5332, A replaced by G.
Protein change: p.Thr1778Ala; replaces threonine 1778 with alanine.
Molecular consequence: missense variant. On other transcripts: intron variant (2).
Genome position (GRCh38, 1-based): chr5:83,538,335, A>G. VCF-style: chr5-83538335-A-G. GRCh37 (hg19) VCF-style: chr5-82834154-A-G.
Other names: c.2371A>G, p.Thr791Ala (NM_001164097.2); c.4004-7202A>G (NM_001164098.2); c.1043-7202A>G (NM_001126336.3); short protein forms T1778A, T791A.
Identifiers: ClinVar variation 837095 (VCV000837095.10), dbSNP rs1746812214, ClinGen allele CA360310179.
Genomic context (GRCh38, chr5:83,538,335, plus strand): 5'-AGTCCAAATGTAGCTACATCTAGTGATTCAGGTACCAGGAAAAGTTTTATGTCCTTGACA[A>G]CACCAACACAGTCTGAAAGGGAAATGACAGATTCTACTCCTGTCTTTACAGAAACAAATA-3'
Protein context (NP_004376.2, residues 1768-1788): GTRKSFMSLT[Thr1778Ala]PTQSEREMTD

ClinVar aggregate classification (germline): Uncertain significance (1 of 4 stars; one submission).

gnomAD v4.1: 1 of 1,614,066 alleles (0.000062%); no homozygotes.

Submission:

Labcorp Genetics (formerly Invitae), Labcorp
Classification: Uncertain significance. Last evaluated: 2019-12-27. Review status: criteria provided, single submitter. Criteria: Invitae Variant Classification Sherloc (09022015). Collection method: clinical testing. Allele origin: germline.
Comment: In summary, the available evidence is currently insufficient to determine the role of this variant in disease. Therefore, it has been classified as a Variant of Uncertain Significance. Algorithms developed to predict the effect of sequence changes on RNA splicing suggest that this variant may create or strengthen a splice site, but this prediction has not been confirmed by published transcriptional studies. Algorithms developed to predict the effect of missense changes on protein structure and function output the following: SIFT: "Tolerated"; PolyPhen-2: "Benign"; Align-GVGD: "Class C0". The alanine amino acid residue is found in multiple mammalian species, suggesting that this missense change does not adversely affect protein function. These predictions have not been confirmed by published functional studies and their clinical significance is uncertain. This variant has not been reported in the literature in individuals with VCAN-related conditions. This variant is not present in population databases (ExAC no frequency). This sequence change replaces threonine with alanine at codon 1778 of the VCAN protein (p.Thr1778Ala). The threonine residue is moderately conserved and there is a small physicochemical difference between threonine and alanine.